The following is an entry in ClinVar:

NM_000256.3(MYBPC3):c.1218C>G (p.Ser406Arg)

Gene: MYBPC3 (myosin binding protein C3; minus strand). Cytogenetic location: 11p11.2.
Variant type: single nucleotide variant.
Coding change: c.1218C>G on transcript NM_000256.3 (MANE Select); coding-DNA position 1218, C replaced by G.
Protein change: p.Ser406Arg; replaces serine 406 with arginine.
Molecular consequence: missense variant.
Genome position (GRCh38, 1-based): chr11:47,343,497, G>C on the plus strand (C>G on the coding strand, the complement: MYBPC3 is on the minus strand). VCF-style: chr11-47343497-G-C. GRCh37 (hg19) VCF-style: chr11-47365048-G-C.
Other names: short protein forms S406R.
Identifiers: ClinVar variation 2751620 (VCV002751620.3), dbSNP rs748558425, ClinGen allele CA380328450.

ClinVar aggregate classification (germline): Uncertain significance (1 of 4 stars; one submission).

Conditions:
Hypertrophic cardiomyopathy. Also called: HYPERTROPHIC MYOCARDIOPATHY. Identifiers: Orphanet 217569, MedGen C0007194, MeSH D002312, MONDO:0005045, HP:0001639.

Submission:

Labcorp Genetics (formerly Invitae), Labcorp
Classification: Uncertain significance for Hypertrophic cardiomyopathy. Last evaluated: 2023-08-10. Review status: criteria provided, single submitter. Criteria: Invitae Variant Classification Sherloc (09022015). Collection method: clinical testing. Allele origin: germline.
Comment: In summary, the available evidence is currently insufficient to determine the role of this variant in disease. Therefore, it has been classified as a Variant of Uncertain Significance. An algorithm developed to predict the effect of missense changes on protein structure and function (PolyPhen-2) suggests that this variant is likely to be disruptive. This variant has not been reported in the literature in individuals affected with MYBPC3-related conditions. This variant is not present in population databases (gnomAD no frequency). This sequence change replaces serine, which is neutral and polar, with arginine, which is basic and polar, at codon 406 of the MYBPC3 protein (p.Ser406Arg).